The following is an entry in ClinVar:

ClinVar aggregate classification (germline): Uncertain significance. Review status: criteria provided, multiple submitters, no conflicts (2 of 4 stars). 2 submissions from 2 submitters: Uncertain significance (2). Last evaluated 2025-05-08.

Conditions:
Inborn genetic diseases. Identifiers: MedGen C0950123, MeSH D030342.
ENHANCED S-CONE SYNDROME 1 (ESCS1). Also called: RETINOSCHISIS WITH EARLY HEMERALOPIA; FAVRE HYALOIDEORETINAL DEGENERATION. Identifiers: MedGen CN380299, OMIM 268100.

Allele frequency attached by ClinVar (database versions not stated): gnomAD exomes below 0.00001.
gnomAD v4.1: 1 of 1,608,840 alleles (0.000062%); highest among the groups gnomAD compares: East Asian, 0.0022%; no homozygotes.

Submissions (2):

3billion
Classification: Uncertain significance for ENHANCED S-CONE SYNDROME 1. Last evaluated: 2025-05-08. Review status: criteria provided, single submitter. Criteria: ACMG Guidelines, 2015. Collection method: clinical testing. Allele origin: germline. Affected: yes.
Comment: The variant is observed at an extremely low frequency in the gnomAD v4.1.0 dataset (total allele frequency: <0.001%). Predicted Consequence/Location: Missense variant In silico tool predictions suggest damaging effect of the variant on gene or gene product [REVEL: 0.97 (>=0.6, sensitivity 0.68 and specificity 0.92); 3Cnet: 0.97 (> 0.75, sensitivity 0.96 and precision 0.92)]. The variant has been reported as of uncertain significance (ClinVar ID: VCV003201926). Therefore, this variant is classified as VUS according to the recommendation of ACMG/AMP guideline.

Ambry Genetics
Classification: Uncertain significance for Inborn genetic diseases. Last evaluated: 2023-10-10. Review status: criteria provided, single submitter. Criteria: Ambry Variant Classification Scheme 2023. Collection method: clinical testing. Allele origin: germline.

NM_014249.4(NR2E3):c.743A>T (p.Asp248Val)

Gene: NR2E3 (nuclear receptor subfamily 2 group E member 3; plus strand). Cytogenetic location: 15q23.
Variant type: single nucleotide variant.
Coding change: c.743A>T on transcript NM_014249.4 (MANE Select); coding-DNA position 743, A replaced by T.
Protein change: p.Asp248Val; replaces aspartic acid 248 with valine.
Molecular consequence: missense variant.
Genome position (GRCh38, 1-based): chr15:71,812,507, A>T. VCF-style: chr15-71812507-A-T. GRCh37 (hg19) VCF-style: chr15-72104847-A-T.
Other names: c.743A>T, p.Asp248Val (NM_016346.4); short protein forms D248V.
Identifiers: ClinVar variation 3201926 (VCV003201926.2), dbSNP rs2543255156, ClinGen allele CA393035937.